The following is an entry in ClinVar:

NM_001291415.2(KDM6A):c.876-1G>A

Gene: KDM6A (lysine demethylase 6A; plus strand). Cytogenetic location: Xp11.3.
Variant type: single nucleotide variant.
Coding change: c.876-1G>A on transcript NM_001291415.2 (MANE Select); the canonical splice acceptor site of the intron before coding-DNA position 876, G replaced by A.
Molecular consequence: splice acceptor variant.
Genome position (GRCh38, 1-based): chrX:45,059,005, G>A. VCF-style: chrX-45059005-G-A. GRCh37 (hg19) VCF-style: chrX-44918250-G-A.
Other names: c.876-1G>A (NM_001419809.1, NM_001419810.1, NM_001419813.1 and 9 more transcripts); c.123-1G>A (NM_001291421.2).
Identifiers: ClinVar variation 2660369 (VCV002660369.24), dbSNP rs2147955813, ClinGen allele CA412781033.

ClinVar aggregate classification (germline): Likely pathogenic (1 of 4 stars; one submission).

Submission:

CeGaT Center for Human Genetics Tuebingen
Classification: Likely pathogenic. Last evaluated: 2023-10-01. Review status: criteria provided, single submitter. Criteria: CeGaT Center For Human Genetics Tuebingen Variant Classification Criteria Version 2. Collection method: clinical testing. Allele origin: germline. Affected: yes. Observed: 2 variant alleles.
Comment: KDM6A: PVS1:Strong, PM2